The following is an entry in ClinVar:

ClinVar aggregate classification (germline): Uncertain significance (1 of 4 stars; one submission).

Allele frequency attached by ClinVar (database versions not stated): gnomAD 0.00001; gnomAD exomes 0.00001; TOPMed 0.00002.

Submission:

Women's Health and Genetics/Laboratory Corporation of America, LabCorp
Classification: Uncertain significance. Last evaluated: 2024-04-03. Review status: criteria provided, single submitter. Criteria: LabCorp Variant Classification Summary - May 2015. Collection method: clinical testing. Allele origin: germline.
Comment: Variant summary: CHRND c.704A>G (p.Asp235Gly) results in a non-conservative amino acid change located in the neurotransmitter-gated ion-channel ligand-binding domain (IPR006202) of the encoded protein sequence. Five of five in-silico tools predict a damaging effect of the variant on protein function. The variant was absent in 250970 control chromosomes (gnomAD). The available data on variant occurrences in the general population are insufficient to allow any conclusion about variant significance. To our knowledge, no occurrence of c.704A>G in individuals affected with CHRND-Related Disorders and no experimental evidence demonstrating its impact on protein function have been reported. No submitters have cited clinical-significance assessments for this variant to ClinVar. Based on the evidence outlined above, the variant was classified as uncertain significance.

NM_000751.3(CHRND):c.704A>G (p.Asp235Gly)

Gene: CHRND (cholinergic receptor nicotinic delta subunit; plus strand). Cytogenetic location: 2q37.1.
Variant type: single nucleotide variant.
Coding change: c.704A>G on transcript NM_000751.3 (MANE Select); coding-DNA position 704, A replaced by G.
Protein change: p.Asp235Gly; replaces aspartic acid 235 with glycine.
Molecular consequence: missense variant. On other transcripts: intron variant (1).
Genome position (GRCh38, 1-based): chr2:232,530,023, A>G. VCF-style: chr2-232530023-A-G. GRCh37 (hg19) VCF-style: chr2-233394733-A-G.
Other names: c.659A>G, p.Asp220Gly (NM_001256657.2); c.401A>G, p.Asp134Gly (NM_001311196.2); c.239-1329A>G (NM_001311195.2); short protein forms D134G, D220G, D235G.
Identifiers: ClinVar variation 3251553 (VCV003251553.1), dbSNP rs1256526491.